The following is an entry in ClinVar:

ClinVar aggregate classification (germline): Uncertain significance. Review status: criteria provided, multiple submitters, no conflicts (2 of 4 stars). 2 submissions from 2 submitters: Uncertain significance (2). Last evaluated 2025-06-15.

Conditions:
Familial thoracic aortic aneurysm and aortic dissection (TAAD). Also called: Thoracic aortic aneurysms and dissections. Identifiers: Orphanet 91387, MedGen C4707243, MONDO:0019625.

Submissions (2):

Ambry Genetics
Classification: Uncertain significance for Familial thoracic aortic aneurysm and aortic dissection. Last evaluated: 2025-06-15. Review status: criteria provided, single submitter. Criteria: Ambry Variant Classification Scheme 2023. Collection method: clinical testing. Allele origin: germline.
Comment: The p.D1184H variant (also known as c.3550G>C), located in coding exon 26 of the MYH11 gene, results from a G to C substitution at nucleotide position 3550. The aspartic acid at codon 1184 is replaced by histidine, an amino acid with similar properties. This amino acid position is conserved. In addition, the in silico prediction for this alteration is inconclusive. Based on the available evidence, the clinical significance of this variant remains unclear.

All of Us Research Program, National Institutes of Health
Classification: Uncertain significance for Familial thoracic aortic aneurysm and aortic dissection. Last evaluated: 2023-11-02. Review status: criteria provided, single submitter. Criteria: ACMG Guidelines, 2015. Collection method: clinical testing. Allele origin: germline. Inheritance: Autosomal dominant inheritance. Observed: 1 variant allele, 1 heterozygote.
Comment: This missense variant replaces aspartic acid with histidine at codon 1191 of the MYH11 protein. Computational prediction is inconclusive regarding the impact of this variant on protein structure and function (internally defined REVEL score threshold 0.5 < inconclusive < 0.7, PMID: 27666373). To our knowledge, functional studies have not been reported for this variant. This variant has not been reported in individuals affected with MYH11-related disorders in the literature. This variant has not been identified in the general population by the Genome Aggregation Database (gnomAD). The available evidence is insufficient to determine the role of this variant in disease conclusively. Therefore, this variant is classified as a Variant of Uncertain Significance.

This study involves interpretation of variants in research participants for the purpose of population health screening. Participant phenotype was not available at the time of variant classification. Additional details can be found in publication PMID: 35346344, PMCID: PMC8962531

NM_002474.3(MYH11):c.3550G>C (p.Asp1184His)

Gene: MYH11 (myosin heavy chain 11; minus strand). Cytogenetic location: 16p13.11.
Variant type: single nucleotide variant.
Coding change: c.3550G>C on transcript NM_002474.3 (MANE Select); coding-DNA position 3550, G replaced by C.
Protein change: p.Asp1184His; replaces aspartic acid 1184 with histidine.
Molecular consequence: missense variant.
Genome position (GRCh38, 1-based): chr16:15,732,665, C>G on the plus strand (G>C on the coding strand, the complement: MYH11 is on the minus strand). VCF-style: chr16-15732665-C-G. GRCh37 (hg19) VCF-style: chr16-15826522-C-G.
Other names: c.3550G>C, p.Asp1184His (NM_022844.3); c.3571G>C, p.Asp1191His (NM_001040113.2, NM_001040114.2); c.3550G>C (NM_002474.2); short protein forms D1184H, D1191H.
Identifiers: ClinVar variation 3074240 (VCV003074240.2), dbSNP rs1897284189, ClinGen allele CA394861185.